The following is an entry in ClinVar:

NM_000433.4(NCF2):c.1038_1039del (p.Ser347fs)

Gene: NCF2 (neutrophil cytosolic factor 2; minus strand). Cytogenetic location: 1q25.3.
Variant type: Deletion.
Coding change: c.1038_1039del on transcript NM_000433.4 (MANE Select); coding-DNA positions 1038 to 1039, 2 bases deleted (CA; older notation c.1038_1039delCA).
Protein change: p.Ser347fs; shifts the reading frame from serine 347.
Molecular consequence: frameshift variant.
Genome position (GRCh38, 1-based): chr1:183,563,573-183,563,574, TG deleted on the plus strand (CA on the coding strand, the reverse complement: NCF2 is on the minus strand). VCF-style (leftmost placement, unchanged base first): chr1-183563572-CTG-C. GRCh37 (hg19) VCF-style: chr1-183532707-CTG-C.
Other names: c.1038_1039del, p.Ser347fs (NM_001127651.3); c.795_796del, p.Ser266fs (NM_001190789.2); c.903_904del, p.Ser302fs (NM_001190794.2); c.930_931del, p.Ser311fs (NM_001410895.1); short protein forms S266fs, S311fs, S347fs, S302fs.
Identifiers: ClinVar variation 2734054 (VCV002734054.3), dbSNP rs2527911236, ClinGen allele CA2586967890.

ClinVar aggregate classification (germline): Pathogenic (1 of 4 stars; one submission).

Conditions:
Granulomatous disease, chronic, autosomal recessive, cytochrome b-positive, type 2. Also called: CGD, AUTOSOMAL RECESSIVE CYTOCHROME b-POSITIVE, TYPE II; Chronic Granulomatous Disease, Autosomal Recessive, Cytochrome b-Positive, Type II; GRANULOMATOUS DISEASE, CHRONIC, DUE TO NCF2 DEFICIENCY; GRANULOMATOUS DISEASE, CHRONIC, AUTOSOMAL RECESSIVE, 2; Chronic granulomatous disease due to deficiency of NCF-2. Identifiers: Orphanet 379, MedGen C1856245, MONDO:0009310, OMIM 233710.

Submission:

Labcorp Genetics (formerly Invitae), Labcorp
Classification: Pathogenic for Granulomatous disease, chronic, autosomal recessive, cytochrome b-positive, type 2. Last evaluated: 2023-02-18. Review status: criteria provided, single submitter. Criteria: Invitae Variant Classification Sherloc (09022015). Collection method: clinical testing. Allele origin: germline.
Comment: For these reasons, this variant has been classified as Pathogenic. This premature translational stop signal has been observed in individual(s) with chronic granulomatous disease (PMID: 23264412). This variant is not present in population databases (gnomAD no frequency). This sequence change creates a premature translational stop signal (p.Ser347Cysfs*34) in the NCF2 gene. It is expected to result in an absent or disrupted protein product. Loss-of-function variants in NCF2 are known to be pathogenic (PMID: 10498624, 20167518).

Literature cited by the submitters: PubMed 23264412; PubMed 10498624; PubMed 20167518.